The following is an entry in ClinVar:

NM_002361.4(MAG):c.1820C>A (p.Thr607Asn)

Gene: MAG (myelin associated glycoprotein; plus strand). Cytogenetic location: 19q13.12.
Variant type: single nucleotide variant.
Coding change: c.1820C>A on transcript NM_002361.4 (MANE Select); coding-DNA position 1820, C replaced by A.
Protein change: p.Thr607Asn; replaces threonine 607 with asparagine.
Molecular consequence: missense variant. On other transcripts: 3 prime UTR variant (1).
Genome position (GRCh38, 1-based): chr19:35,313,393, C>A. VCF-style: chr19-35313393-C-A. GRCh37 (hg19) VCF-style: chr19-35804296-C-A.
Other names: c.1745C>A, p.Thr582Asn (NM_001199216.2); c.*116C>A (NM_080600.3); c.1820C>A (NM_002361.3); short protein forms T607N, T582N.
Identifiers: ClinVar variation 2038341 (VCV002038341.5), dbSNP rs370295577, ClinGen allele CA307714410.

ClinVar aggregate classification (germline): Uncertain significance. Review status: criteria provided, multiple submitters, no conflicts (2 of 4 stars). 2 submissions from 2 submitters: Uncertain significance (2). Last evaluated 2025-09-21.

Conditions:
Hereditary spastic paraplegia 75. Also called: Spastic paraplegia 75, autosomal recessive. Identifiers: Orphanet 459056, MedGen C4225250, MONDO:0014729, OMIM 616680.
Inborn genetic diseases. Identifiers: MedGen C0950123, MeSH D030342.

Allele frequency attached by ClinVar (database versions not stated): gnomAD 0.00001; ESP Exome Variant Server 0.00008; TOPMed 0.00001.
gnomAD v4.1: 69 of 1,613,968 alleles (0.0043%); highest among the groups gnomAD compares: Non-Finnish European, 0.0057%; no homozygotes.

Submissions (2):

Ambry Genetics
Classification: Uncertain significance for Inborn genetic diseases. Last evaluated: 2025-09-21. Review status: criteria provided, single submitter. Criteria: Ambry Variant Classification Scheme 2023. Collection method: clinical testing. Allele origin: germline.

Labcorp Genetics (formerly Invitae), Labcorp
Classification: Uncertain significance for Hereditary spastic paraplegia 75. Last evaluated: 2022-06-15. Review status: criteria provided, single submitter. Criteria: Invitae Variant Classification Sherloc (09022015). Collection method: clinical testing. Allele origin: germline.
Comment: This sequence change replaces threonine, which is neutral and polar, with asparagine, which is neutral and polar, at codon 607 of the MAG protein (p.Thr607Asn). In summary, the available evidence is currently insufficient to determine the role of this variant in disease. Therefore, it has been classified as a Variant of Uncertain Significance. Algorithms developed to predict the effect of missense changes on protein structure and function are either unavailable or do not agree on the potential impact of this missense change (SIFT: "Deleterious"; PolyPhen-2: "Possibly Damaging"; Align-GVGD: "Class C0"). This variant has not been reported in the literature in individuals affected with MAG-related conditions. This variant is not present in population databases (gnomAD no frequency).